The following is an entry in ClinVar:

NM_032043.3(BRIP1):c.2597A>G (p.Gln866Arg)

Gene: BRIP1 (BRCA1 interacting DNA helicase 1; minus strand). Cytogenetic location: 17q23.2.
Variant type: single nucleotide variant.
Coding change: c.2597A>G on transcript NM_032043.3 (MANE Select); coding-DNA position 2597, A replaced by G.
Protein change: p.Gln866Arg; replaces glutamine 866 with arginine.
Molecular consequence: missense variant.
Genome position (GRCh38, 1-based): chr17:61,686,144, T>C on the plus strand (A>G on the coding strand, the complement: BRIP1 is on the minus strand). VCF-style: chr17-61686144-T-C. GRCh37 (hg19) VCF-style: chr17-59763505-T-C.
Other names: short protein forms Q866R.
Identifiers: ClinVar variation 2449943 (VCV002449943.3), dbSNP rs1603276987, ClinGen allele CA400481977.

ClinVar aggregate classification (germline): Uncertain significance (1 of 4 stars; one submission).

Conditions:
Hereditary cancer-predisposing syndrome. Also called: Neoplastic Syndromes, Hereditary; Tumor predisposition; Hereditary neoplastic syndrome; Hereditary Cancer Syndrome. Identifiers: Orphanet 140162, MedGen C0027672, MeSH D009386, MONDO:0015356.

Submission:

Ambry Genetics
Classification: Uncertain significance for Hereditary cancer-predisposing syndrome. Last evaluated: 2023-03-20. Review status: criteria provided, single submitter. Criteria: Ambry Variant Classification Scheme 2023. Collection method: clinical testing. Allele origin: germline.
Comment: The p.Q866R variant (also known as c.2597A>G), located in coding exon 18 of the BRIP1 gene, results from an A to G substitution at nucleotide position 2597. The glutamine at codon 866 is replaced by arginine, an amino acid with highly similar properties. This amino acid position is conserved. In addition, this alteration is predicted to be deleterious by in silico analysis. Since supporting evidence is limited at this time, the clinical significance of this alteration remains unclear.